The following is an entry in ClinVar:

NM_018648.4(NOP10):c.36T>G (p.Asp12Glu)

Gene: NOP10 (NOP10 ribonucleoprotein; minus strand). Cytogenetic location: 15q14.
Variant type: single nucleotide variant.
Coding change: c.36T>G on transcript NM_018648.4 (MANE Select); coding-DNA position 36, T replaced by G.
Protein change: p.Asp12Glu; replaces aspartic acid 12 with glutamic acid.
Molecular consequence: missense variant.
Genome position (GRCh38, 1-based): chr15:34,343,038, A>C on the plus strand (T>G on the coding strand, the complement: NOP10 is on the minus strand). VCF-style: chr15-34343038-A-C. GRCh37 (hg19) VCF-style: chr15-34635239-A-C.
Other names: short protein forms D12E.
Identifiers: ClinVar variation 1519452 (VCV001519452.8), dbSNP rs1890511080, ClinGen allele CA391622313.

ClinVar aggregate classification (germline): Uncertain significance (1 of 4 stars; one submission).

Conditions:
Dyskeratosis congenita, autosomal recessive 1. Identifiers: Orphanet 1775, MedGen C1857144, MONDO:0009136, OMIM 224230.

Allele frequency attached by ClinVar (database versions not stated): gnomAD exomes below 0.00001.

Submission:

Labcorp Genetics (formerly Invitae), Labcorp
Classification: Uncertain significance for Dyskeratosis congenita, autosomal recessive 1. Last evaluated: 2025-01-13. Review status: criteria provided, single submitter. Criteria: Invitae Variant Classification Sherloc (09022015). Collection method: clinical testing. Allele origin: germline.
Comment: This sequence change replaces aspartic acid, which is acidic and polar, with glutamic acid, which is acidic and polar, at codon 12 of the NOP10 protein (p.Asp12Glu). This variant is not present in population databases (gnomAD no frequency). This variant has not been reported in the literature in individuals affected with NOP10-related conditions. ClinVar contains an entry for this variant (Variation ID: 1519452). An algorithm developed to predict the effect of missense changes on protein structure and function outputs the following: PolyPhen-2: "Benign". The glutamic acid amino acid residue is found in multiple mammalian species, which suggests that this missense change does not adversely affect protein function. In summary, the available evidence is currently insufficient to determine the role of this variant in disease. Therefore, it has been classified as a Variant of Uncertain Significance.